The following is an entry in ClinVar:

NM_001129.5(AEBP1):c.599C>T (p.Ala200Val)

Gene: AEBP1 (AE binding protein 1; plus strand). Cytogenetic location: 7p13.
Variant type: single nucleotide variant.
Coding change: c.599C>T on transcript NM_001129.5 (MANE Select); coding-DNA position 599, C replaced by T.
Protein change: p.Ala200Val; replaces alanine 200 with valine.
Molecular consequence: missense variant.
Genome position (GRCh38, 1-based): chr7:44,107,442, C>T. VCF-style: chr7-44107442-C-T. GRCh37 (hg19) VCF-style: chr7-44147041-C-T.
Other names: p.Ala200Val; short protein forms A200V.
Identifiers: ClinVar variation 788267 (VCV000788267.46), dbSNP rs139352566, ClinGen allele CA4237531.
Genomic context (GRCh38, chr7:44,107,442, plus strand): 5'-CCAAGGTGGTCAGAGCAGGCCTCCCGCCCACCTGCTTCTGGAACTCCTGTGTTGCAGGGG[C>T]GCCCCTCTCAAATAACTGGCAGAATCCAGGAGAGGAGACCCATGTGGAGGCACGGGAGCA-3'
Protein context (NP_001120.3, residues 190-210): GPEELPQEGG[Ala200Val]PLSNNWQNPG

ClinVar aggregate classification (germline): Benign/Likely benign. Review status: criteria provided, multiple submitters, no conflicts (2 of 4 stars). 6 submissions from 6 submitters: Benign (1); Likely benign (5). Last evaluated 2026-04-01.

Allele frequency attached by ClinVar (database versions not stated): 1000 Genomes Project 30x 0.00187; 1000 Genomes Project 0.00200; TOPMed 0.00387; gnomAD 0.00394 and 0.00405; gnomAD exomes 0.00471 and 0.00644; ExAC 0.00516; ESP Exome Variant Server 0.00607.
gnomAD v4.1: 9,899 of 1,613,164 alleles (0.61%); highest among the groups gnomAD compares: Non-Finnish European, 0.76%; 46 homozygotes.

Submissions (6):

CeGaT Center for Human Genetics Tuebingen
Classification: Likely benign. Last evaluated: 2026-04-01. Review status: criteria provided, single submitter. Criteria: CeGaT Center For Human Genetics Tuebingen Variant Classification Criteria Version 2. Collection method: clinical testing. Allele origin: germline. Affected: yes. Observed: 20 variant alleles.
Comment: AEBP1: BP4, BS2

Women's Health and Genetics/Laboratory Corporation of America, LabCorp
Classification: Likely benign. Last evaluated: 2026-04-01. Review status: criteria provided, single submitter. Criteria: LabCorp Variant Classification Summary - May 2015. Collection method: clinical testing. Allele origin: germline.
Comment: Variant summary: AEBP1 c.599C>T (p.Ala200Val) results in a non-conservative amino acid change in the encoded protein sequence. Algorithms developed to predict the effect of missense changes on protein structure and function are either unavailable or do not agree on the potential impact of this missense change. The variant allele was found at a frequency of 0.0047 in 250102 control chromosomes, predominantly at a frequency of 0.0086 within the Non-Finnish European subpopulation in the gnomAD database, including 8 homozygotes. The observed variant frequency within Non-Finnish European control individuals in the gnomAD database exceeds the estimated maximal expected allele frequency for disease-causing variants in AEBP1. To our knowledge, no occurrence of c.599C>T in individuals affected with AEBP1-related conditions and no experimental evidence demonstrating its impact on protein function have been reported. ClinVar contains an entry for this variant (Variation ID: 788267). Based on the evidence outlined above, the variant was classified as likely benign.

Labcorp Genetics (formerly Invitae), Labcorp
Classification: Likely benign. Last evaluated: 2026-02-01. Review status: criteria provided, single submitter. Criteria: Invitae Variant Classification Sherloc (09022015). Collection method: clinical testing. Allele origin: germline.

Mayo Clinic Laboratories, Mayo Clinic
Classification: Benign. Last evaluated: 2023-02-14. Review status: criteria provided, single submitter. Criteria: ACMG Guidelines, 2015. Collection method: clinical testing. Allele origin: germline. Observed: 52 variant alleles.
Comment: BS1, BS2

GeneDx
Classification: Likely benign. Last evaluated: 2020-12-04. Review status: criteria provided, single submitter. Criteria: GeneDx Variant Classification Process June 2021. Collection method: clinical testing. Allele origin: germline. Affected: yes.

Breakthrough Genomics
Classification: Likely benign. Review status: criteria provided, single submitter. Criteria: ACMG Guidelines, 2015. Collection method: not provided. Allele origin: germline. Inheritance: Autosomal recessive inheritance. Affected: yes.